The following is an entry in ClinVar:

NM_014317.5(PDSS1):c.34T>C (p.Cys12Arg)

Gene: PDSS1 (decaprenyl diphosphate synthase subunit 1; plus strand). Cytogenetic location: 10p12.1.
Variant type: single nucleotide variant.
Coding change: c.34T>C on transcript NM_014317.5 (MANE Select); coding-DNA position 34, T replaced by C.
Protein change: p.Cys12Arg; replaces cysteine 12 with arginine.
Molecular consequence: missense variant. On other transcripts: 5 prime UTR variant (1).
Genome position (GRCh38, 1-based): chr10:26,697,745, T>C. VCF-style: chr10-26697745-T-C. GRCh37 (hg19) VCF-style: chr10-26986674-T-C.
Other names: c.34T>C, p.Cys12Arg (NM_001321978.2); c.-560T>C (NM_001321979.2); short protein forms C12R.
Identifiers: ClinVar variation 2025123 (VCV002025123.4), dbSNP rs1248328476, ClinGen allele CA376488835.

ClinVar aggregate classification (germline): Uncertain significance (1 of 4 stars; one submission).

Submission:

Labcorp Genetics (formerly Invitae), Labcorp
Classification: Uncertain significance. Last evaluated: 2022-09-13. Review status: criteria provided, single submitter. Criteria: Invitae Variant Classification Sherloc (09022015). Collection method: clinical testing. Allele origin: germline.
Comment: In summary, the available evidence is currently insufficient to determine the role of this variant in disease. Therefore, it has been classified as a Variant of Uncertain Significance. Algorithms developed to predict the effect of missense changes on protein structure and function are either unavailable or do not agree on the potential impact of this missense change (SIFT: "Not Available"; PolyPhen-2: "Possibly Damaging"; Align-GVGD: "Not Available"). This variant has not been reported in the literature in individuals affected with PDSS1-related conditions. This variant is not present in population databases (gnomAD no frequency). This sequence change replaces cysteine, which is neutral and slightly polar, with arginine, which is basic and polar, at codon 12 of the PDSS1 protein (p.Cys12Arg).